The following is an entry in ClinVar:

NM_001267550.2(TTN):c.11312-4633A>G

Gene: TTN (titin; minus strand). Cytogenetic location: 2q31.2.
Variant type: single nucleotide variant.
Coding change: c.11312-4633A>G on transcript NM_001267550.2 (MANE Select); 4633 bases into the intron before coding-DNA position 11312, A replaced by G.
Molecular consequence: intron variant. On other transcripts: synonymous variant (1).
Genome position (GRCh38, 1-based): chr2:178,746,554, T>C on the plus strand (A>G on the coding strand, the complement: TTN is on the minus strand). VCF-style: chr2-178746554-T-C. GRCh37 (hg19) VCF-style: chr2-179611281-T-C.
Other names: c.15846A>G, p.Leu5282= (NM_133379.5); c.10223-4633A>G (NM_003319.4); c.10799-4633A>G (NM_133437.4); c.10598-4633A>G (NM_133432.3); c.10360+6570A>G (NM_133378.4); c.10361-4633A>G (NM_001256850.1).
Identifiers: ClinVar variation 4958710 (VCV004958710.2).

ClinVar aggregate classification (germline): Likely benign. Review status: criteria provided, multiple submitters, no conflicts (2 of 4 stars). 2 submissions from 2 submitters: Likely benign (2). Last evaluated 2025-10-03.

Conditions:
TTN-related disorder. Also called: TTN-related disorders; TTN-related condition; TTN-related disease.

gnomAD v4.1: 48 of 1,613,100 alleles (0.003%); highest among the groups gnomAD compares: African/African-American, 0.057%; no homozygotes.

Submissions (2):

PreventionGenetics, part of Exact Sciences
Classification: Likely benign for TTN-related condition. Last evaluated: 2025-10-03. Review status: criteria provided, single submitter. Criteria: ACMG Guidelines, 2015. Collection method: clinical testing. Allele origin: germline.
Comment: This variant is classified as likely benign based on ACMG/AMP sequence variant interpretation guidelines (Richards et al. 2015 PMID: 25741868, with internal and published modifications).

Blueprint Genetics
Classification: Likely benign. Last evaluated: 2024-10-02. Review status: criteria provided, single submitter. Criteria: ACMG Guidelines, 2015. Collection method: clinical testing. Allele origin: germline.